The following is an entry in ClinVar:

ClinVar aggregate classification (germline): Uncertain significance (1 of 4 stars; one submission).

Conditions:
Intellectual disability, autosomal dominant 11. Identifiers: MedGen C3280285, MONDO:0013658, OMIM 614257.

Allele frequency attached by ClinVar (database versions not stated): ExAC 0.00001; gnomAD exomes 0.00001.
gnomAD v4.1: 12 of 1,613,672 alleles (0.00074%); highest among the groups gnomAD compares: South Asian, 0.013%; no homozygotes.

Submission:

Foundation for Research in Genetics and Endocrinology, FRIGE's Institute of Human Genetics
Classification: Uncertain significance for Intellectual disability, autosomal dominant 11. Last evaluated: 2022-06-03. Review status: criteria provided, single submitter. Criteria: ACMG Guidelines, 2015. Collection method: clinical testing. Allele origin: germline. Inheritance: Autosomal dominant inheritance. Affected: yes. Observed: 1 heterozygote.
Comment: A heterozygous missense variation in exon 15 of the EPB41L1 gene that results in the amino acid substitution of Proline for Leucine at codon 1982 was detected. The observed variant c.1982T>C(p.Leu661Pro) has not been reported in the 1000 genomes and gnomAD databases. The in silico prediction of the variant are possibly damaging by PolyPhen-2 (HumDiv) and damaging by LRT and MutationTaster2. The reference codon is conserved across species. In summary, the variant meets our criteria to be classified as uncertain significance.

NM_012156.2(EPB41L1):c.1982T>C (p.Leu661Pro)

Genes: EPB41L1 (erythrocyte membrane protein band 4.1 like 1; plus strand), EPB41L1-AS1 (EPB41L1 antisense RNA 1; minus strand). Cytogenetic location: 20q11.23.
Variant type: single nucleotide variant.
Coding change: c.1982T>C on transcript NM_012156.2 (MANE Select); coding-DNA position 1982, T replaced by C.
Protein change: p.Leu661Pro; replaces leucine 661 with proline.
Molecular consequence: missense variant. On other transcripts: intron variant (1).
Genome position (GRCh38, 1-based): chr20:36,209,801, T>C. VCF-style: chr20-36209801-T-C. GRCh37 (hg19) VCF-style: chr20-34797723-T-C.
Other names: p.Leu1376Pro; c.1982T>C, p.Leu661Pro (NM_001258329.1); c.1760T>C, p.Leu587Pro (NM_001258331.2, NM_177996.2); c.1540-2471T>C (NM_001258330.1); short protein forms L587P, L661P.
Identifiers: ClinVar variation 1707595 (VCV001707595.3), dbSNP rs778966986, ClinGen allele CA9840137.
Genomic context (GRCh38, chr20:36,209,801, plus strand): 5'-CTGAGCTCGACCGGGACAAAAGCGACTCGGACACTGAGGGCCTGCTGTTCTCCCGGGATC[T>C]CAACAAGGGGGCCCCCAGCCAGGATGATGAGTCTGGGGGCATTGAGGACAGCCCGGATCG-3'
Protein context (NP_036288.2, residues 651-671): DTEGLLFSRD[Leu661Pro]NKGAPSQDDE